The following is an entry in ClinVar:

ClinVar aggregate classification (germline): Likely benign (1 of 4 stars; one submission).

Allele frequency attached by ClinVar (database versions not stated): gnomAD exomes below 0.00001.
gnomAD v4.1: 1 of 1,614,152 alleles (0.000062%); highest among the groups gnomAD compares: Non-Finnish European, 0.000085%; no homozygotes.

Submission:

CeGaT Center for Human Genetics Tuebingen
Classification: Likely benign. Last evaluated: 2024-01-01. Review status: criteria provided, single submitter. Criteria: CeGaT Center For Human Genetics Tuebingen Variant Classification Criteria Version 2. Collection method: clinical testing. Allele origin: germline. Affected: yes. Observed: 1 variant allele.
Comment: SCN2A: BS2

NM_001040142.2(SCN2A):c.161G>A (p.Ser54Asn)

Gene: SCN2A (sodium voltage-gated channel alpha subunit 2; plus strand). Cytogenetic location: 2q24.3.
Variant type: single nucleotide variant.
Coding change: c.161G>A on transcript NM_001040142.2 (MANE Select); coding-DNA position 161, G replaced by A.
Protein change: p.Ser54Asn; replaces serine 54 with asparagine.
Molecular consequence: missense variant.
Genome position (GRCh38, 1-based): chr2:165,295,984, G>A. VCF-style: chr2-165295984-G-A. GRCh37 (hg19) VCF-style: chr2-166152494-G-A.
Other names: c.161G>A, p.Ser54Asn (NM_001040143.2, NM_001371246.1, NM_001371247.1 and 1 more transcripts); short protein forms S54N.
Identifiers: ClinVar variation 3026109 (VCV003026109.22), dbSNP rs1475242235, ClinGen allele CA349010252.
Genomic context (GRCh38, chr2:165,295,984, plus strand): 5'-CTAAGAGACCCAAACAGGAACGCAAGGATGAGGATGATGAAAATGGCCCAAAGCCAAACA[G>A]TGACTTGGAAGCAGGAAAATCTCTTCCATTTATTTATGGAGACATTCCTCCAGAGATGGT-3'
Protein context (NP_001035232.1, residues 44-64): EDDENGPKPN[Ser54Asn]DLEAGKSLPF